The following is an entry in ClinVar:

ClinVar aggregate classification (germline): Likely pathogenic (1 of 4 stars; one submission).

Conditions:
Osteoarthritis susceptibility 2 (OS2). Identifiers: MedGen C3887526, MONDO:0007704, OMIM 140600.

Submission:

Centre for Mendelian Genomics, University Medical Centre Ljubljana
Classification: Likely pathogenic for Osteoarthritis susceptibility 2. Last evaluated: 2019-12-13. Review status: criteria provided, single submitter. Criteria: ACMG Guidelines, 2015. Collection method: clinical testing. Allele origin: unknown. Affected: yes.
Comment: This variant was classified as: Likely pathogenic. The following ACMG criteria were applied in classifying this variant: PM4,PP3,PM2,PS2.

NM_002381.5(MATN3):c.59TGC[3] (p.Leu23del)

Gene: MATN3 (matrilin 3; minus strand). Cytogenetic location: 2p24.1.
Variant type: Microsatellite.
Coding change: c.59TGC[3] on transcript NM_002381.5 (MANE Select); three copies in a row of the 3-base unit TGC starting at c.59; the reference has four copies in a row; one copy, 3 bases deleted.
Protein change: p.Leu23del; deletes leucine 23.
Molecular consequence: inframe deletion.
Genome position (GRCh38, 1-based): chr2:20,012,562-20,012,564, GCA deleted on the plus strand (TGC on the coding strand, the reverse complement: MATN3 is on the minus strand); deleting any 3 consecutive bases within chr2:20,012,562-20,012,575 gives the same sequence; the position shown is the placement nearest the transcript's 3' end. VCF-style (leftmost placement, unchanged base first): chr2-20012561-GGCA-G. GRCh37 (hg19) VCF-style: chr2-20212322-GGCA-G.
Other names: short protein forms L23del.
Identifiers: ClinVar variation 931804 (VCV000931804.3), dbSNP rs749515743, ClinGen allele CA1544009.